The following is an entry in ClinVar:

ClinVar aggregate classification (germline): Uncertain significance. Review status: criteria provided, multiple submitters, no conflicts (2 of 4 stars). 3 submissions from 3 submitters: Uncertain significance (3). Last evaluated 2025-04-05.

Conditions:
Neurofibromatosis, type 1 (NF1). Also called: Neurofibromatosis, type I; Peripheral type neurofibromatosis; VON RECKLINGHAUSEN DISEASE; NEUROFIBROMATOSIS, TYPE I, SOMATIC. Identifiers: Orphanet 636, MedGen C0027831, MONDO:0018975, OMIM 162200. Disease mechanism: loss of function.
Hereditary cancer-predisposing syndrome. Also called: Neoplastic Syndromes, Hereditary; Hereditary Cancer Syndrome; Hereditary neoplastic syndrome; Tumor predisposition. Identifiers: Orphanet 140162, MedGen C0027672, MeSH D009386, MONDO:0015356.
Cardiovascular phenotype. Identifiers: MedGen CN230736.

Allele frequency attached by ClinVar (database versions not stated): gnomAD exomes below 0.00001.
gnomAD v4.1: 1 of 1,613,926 alleles (0.000062%); highest among the groups gnomAD compares: Non-Finnish European, 0.000085%; no homozygotes.

Submissions (3):

Ambry Genetics
Classification: Uncertain significance for Cardiovascular phenotype; Hereditary cancer-predisposing syndrome. Last evaluated: 2025-04-05. Review status: criteria provided, single submitter. Criteria: Ambry Variant Classification Scheme 2023. Collection method: clinical testing. Allele origin: germline.
Comment: The p.D1302N variant (also known as c.3904G>A), located in coding exon 29 of the NF1 gene, results from a G to A substitution at nucleotide position 3904. The aspartic acid at codon 1302 is replaced by asparagine, an amino acid with highly similar properties. This amino acid position is not well conserved in available vertebrate species. In addition, this alteration is predicted to be tolerated by in silico analysis. Since supporting evidence is limited at this time, the clinical significance of this alteration remains unclear.

Labcorp Genetics (formerly Invitae), Labcorp
Classification: Uncertain significance for Neurofibromatosis, type 1. Last evaluated: 2025-02-18. Review status: criteria provided, single submitter. Criteria: Invitae Variant Classification Sherloc (09022015). Collection method: clinical testing. Allele origin: germline.
Comment: This sequence change replaces aspartic acid, which is acidic and polar, with asparagine, which is neutral and polar, at codon 1302 of the NF1 protein (p.Asp1302Asn). This variant is not present in population databases (gnomAD no frequency). This variant has not been reported in the literature in individuals affected with NF1-related conditions. ClinVar contains an entry for this variant (Variation ID: 824367). Invitae Evidence Modeling of protein sequence and biophysical properties (such as structural, functional, and spatial information, amino acid conservation, physicochemical variation, residue mobility, and thermodynamic stability) indicates that this missense variant is not expected to disrupt NF1 protein function with a negative predictive value of 95%. In summary, the available evidence is currently insufficient to determine the role of this variant in disease. Therefore, it has been classified as a Variant of Uncertain Significance.

Genome-Nilou Lab
Classification: Uncertain significance for Neurofibromatosis, type 1. Last evaluated: 2022-03-15. Review status: criteria provided, single submitter. Criteria: ACMG Guidelines, 2015. Collection method: clinical testing. Allele origin: germline. Affected: no.

NM_001042492.3(NF1):c.3904G>A (p.Asp1302Asn)

Gene: NF1 (neurofibromin 1; plus strand). Cytogenetic location: 17q11.2.
Variant type: single nucleotide variant.
Coding change: c.3904G>A on transcript NM_001042492.3 (MANE Select); coding-DNA position 3904, G replaced by A.
Protein change: p.Asp1302Asn; replaces aspartic acid 1302 with asparagine.
Molecular consequence: missense variant.
Genome position (GRCh38, 1-based): chr17:31,235,951, G>A. VCF-style: chr17-31235951-G-A. GRCh37 (hg19) VCF-style: chr17-29562969-G-A.
Other names: c.3904G>A, p.Asp1302Asn (NM_000267.4); short protein forms D1302N.
Identifiers: ClinVar variation 824367 (VCV000824367.9), dbSNP rs1597722958, ClinGen allele CA398993098.